The following is an entry in ClinVar:

NM_005529.7(HSPG2):c.3707C>A (p.Ala1236Glu)

Gene: HSPG2 (heparan sulfate proteoglycan 2; minus strand). Cytogenetic location: 1p36.12.
Variant type: single nucleotide variant.
Coding change: c.3707C>A on transcript NM_005529.7 (MANE Select); coding-DNA position 3707, C replaced by A.
Protein change: p.Ala1236Glu; replaces alanine 1236 with glutamic acid.
Molecular consequence: missense variant.
Genome position (GRCh38, 1-based): chr1:21,873,961, G>T on the plus strand (C>A on the coding strand, the complement: HSPG2 is on the minus strand). VCF-style: chr1-21873961-G-T. GRCh37 (hg19) VCF-style: chr1-22200454-G-T.
Other names: c.3710C>A, p.Ala1237Glu (NM_001291860.2); short protein forms A1236E, A1237E.
Identifiers: ClinVar variation 447549 (VCV000447549.61), dbSNP rs113652076, ClinGen allele CA672546.

ClinVar aggregate classification (germline): Conflicting classifications of pathogenicity. Review status: criteria provided, conflicting classifications (1 of 4 stars). 14 submissions from 13 submitters: Uncertain significance (1); Benign (3); Likely benign (6). 4 of the submissions do not count toward it. Last evaluated 2026-01-12.

Conditions:
Connective tissue disorder. Also called: Connective tissue disease. Identifiers: MedGen C0009782, MONDO:0003900.
Multiple congenital anomalies/dysmorphic syndrome. Identifiers: Orphanet 68341, MedGen C5681310, MONDO:0019042.
Lethal Kniest-like syndrome (DDSH). Also called: Dyssegmental Dysplasia. Identifiers: Orphanet 1865, MedGen C1857100, MONDO:0009140, OMIM 224410.
Schwartz-Jampel syndrome. Also called: Myotonic myopathy dwarfism chondrodystrophy and ocular and facial abnormalities. Identifiers: Orphanet 800, MedGen C0036391, MONDO:0009717.
HSPG2-related disorder. Also called: HSPG2-related disorders; HSPG2-related condition.

Allele frequency attached by ClinVar (database versions not stated): 1000 Genomes Project 30x 0.00062; 1000 Genomes Project 0.00080; ESP Exome Variant Server 0.00192; TOPMed 0.00194.
gnomAD v4.1: 4,297 of 1,605,542 alleles (0.27%); highest among the groups gnomAD compares: Non-Finnish European, 0.34%; 10 homozygotes.

Submissions (14):

Labcorp Genetics (formerly Invitae), Labcorp
Classification: Likely benign. Last evaluated: 2026-01-12. Review status: criteria provided, single submitter. Criteria: Invitae Variant Classification Sherloc (09022015). Collection method: clinical testing. Allele origin: germline.

CeGaT Center for Human Genetics Tuebingen
Classification: Likely benign. Last evaluated: 2026-01-01. Review status: criteria provided, single submitter. Criteria: CeGaT Center For Human Genetics Tuebingen Variant Classification Criteria Version 2. Collection method: clinical testing. Allele origin: germline. Affected: yes. Observed: 4 variant alleles.
Comment: HSPG2: BP4, BS2

Blueprint Genetics
Classification: Likely benign. Last evaluated: 2024-11-19. Review status: criteria provided, single submitter. Criteria: ACMG Guidelines, 2015. Collection method: clinical testing. Allele origin: germline.

ARUP Laboratories, Molecular Genetics and Genomics, ARUP Laboratories
Classification: Likely benign. Last evaluated: 2023-06-28. Review status: criteria provided, single submitter. Criteria: ARUP Molecular Germline Variant Investigation Process 2024. Collection method: clinical testing. Allele origin: germline.

Genome Diagnostics Laboratory, The Hospital for Sick Children
Classification: Benign for Connective tissue disorder. Last evaluated: 2021-12-20. Review status: criteria provided, single submitter. Criteria: ACMG Guidelines, 2015. Collection method: clinical testing. Allele origin: germline.

Cambridge Genomics Laboratory, East Genomic Laboratory Hub, NHS Genomic Medicine Service
Classification: Benign for Multiple congenital anomalies/dysmorphic syndrome. Last evaluated: 2019-06-28. Review status: criteria provided, single submitter. Criteria: ACGS Best Practice Guidelines for Variant Classification in Rare Disease 2020. Collection method: clinical testing. Allele origin: germline. Affected: yes. Observed: 1 variant allele.

Athena Diagnostics
Classification: Benign. Last evaluated: 2018-06-28. Review status: criteria provided, single submitter. Criteria: Athena Diagnostics Criteria. Collection method: clinical testing. Allele origin: germline.

Illumina Laboratory Services, Illumina
Classification: Likely benign for Schwartz-Jampel syndrome type 1. Last evaluated: 2018-01-13. Review status: criteria provided, single submitter. Criteria: ICSL Variant Classification Criteria 13 December 2019. Collection method: clinical testing. Allele origin: germline.
Comment: This variant was observed in the ICSL laboratory as part of a predisposition screen in an ostensibly healthy population. It had not been previously curated by ICSL or reported in the Human Gene Mutation Database (HGMD: prior to June 1st, 2018), and was therefore a candidate for classification through an automated scoring system. Utilizing variant allele frequency, disease prevalence and penetrance estimates, and inheritance mode, an automated score was calculated to assess if this variant is too frequent to cause the disease. Based on the score and internal cut-off values, a variant classified as likely benign is not then subjected to further curation. The score for this variant resulted in a classification of likely benign for this disease.

Illumina Laboratory Services, Illumina
Classification: Likely benign for Lethal Kniest-like syndrome. Last evaluated: 2018-01-13. Review status: criteria provided, single submitter. Criteria: ICSL Variant Classification Criteria 13 December 2019. Collection method: clinical testing. Allele origin: germline.
Comment: the same text as in the submission from Illumina Laboratory Services, Illumina above.

Eurofins Ntd Llc (ga)
Classification: Uncertain significance. Last evaluated: 2016-11-28. Review status: criteria provided, single submitter. Criteria: EGL Classification Definitions 2015. Collection method: clinical testing. Allele origin: germline. Observed: 2 variant alleles, 2 heterozygotes.

PreventionGenetics, part of Exact Sciences
Classification: Likely benign for HSPG2-related condition. Last evaluated: 2022-06-14. Review status: no assertion criteria provided. Collection method: clinical testing. Allele origin: germline. Not counted in ClinVar's aggregate classification.
Comment: This variant is classified as likely benign based on ACMG/AMP sequence variant interpretation guidelines (Richards et al. 2015 PMID: 25741868, with internal and published modifications).

Clinical Genetics DNA and cytogenetics Diagnostics Lab, Erasmus MC, Erasmus Medical Center
Classification: Likely benign. Review status: no assertion criteria provided. Collection method: clinical testing. Allele origin: germline. Affected: yes. Study: VKGL Data-share Consensus. Not counted in ClinVar's aggregate classification.

Diagnostic Laboratory, Department of Genetics, University Medical Center Groningen
Classification: Likely benign. Review status: no assertion criteria provided. Collection method: clinical testing. Allele origin: germline. Affected: yes. Study: VKGL Data-share Consensus. Not counted in ClinVar's aggregate classification.

Laboratory of Diagnostic Genome Analysis, Leiden University Medical Center (LUMC)
Classification: Likely benign. Review status: no assertion criteria provided. Collection method: clinical testing. Allele origin: germline. Affected: yes. Study: VKGL Data-share Consensus. Not counted in ClinVar's aggregate classification.